The following is an entry in ClinVar:

ClinVar aggregate classification (germline): Uncertain significance. Review status: criteria provided, multiple submitters, no conflicts (2 of 4 stars). 2 submissions from 2 submitters: Uncertain significance (2). Last evaluated 2024-12-04.

Conditions:
Hereditary spastic paraplegia 11. Also called: Nakamura Osame syndrome; Autosomal recessive hereditary spastic paraplegia, mental impairment, and thin corpus callosum; Spastic paraplegia, mental retardation and thin corpus callosum; SPASTIC PARAPLEGIA, AUTOSOMAL RECESSIVE, COMPLICATED, WITH THIN CORPUS CALLOSUM; SPASTIC PARAPLEGIA, AUTOSOMAL RECESSIVE, WITH MENTAL IMPAIRMENT AND THIN CORPUS CALLOSUM; Spastic Paraplegia 11. Identifiers: Orphanet 2822, MedGen C1858479, MONDO:0011445, OMIM 604360.
Inborn genetic diseases. Identifiers: MedGen C0950123, MeSH D030342.

Allele frequency attached by ClinVar (database versions not stated): gnomAD exomes below 0.00001; TOPMed 0.00001.
gnomAD v4.1: 1 of 1,613,042 alleles (0.000062%); highest among the groups gnomAD compares: Non-Finnish European, 0.000085%; no homozygotes.

Submissions (2):

Ambry Genetics
Classification: Uncertain significance for Inborn genetic diseases. Last evaluated: 2024-12-04. Review status: criteria provided, single submitter. Criteria: Ambry Variant Classification Scheme 2023. Collection method: clinical testing. Allele origin: germline.

Labcorp Genetics (formerly Invitae), Labcorp
Classification: Uncertain significance for Hereditary spastic paraplegia 11. Last evaluated: 2022-01-15. Review status: criteria provided, single submitter. Criteria: Invitae Variant Classification Sherloc (09022015). Collection method: clinical testing. Allele origin: germline.
Comment: This sequence change replaces isoleucine, which is neutral and non-polar, with methionine, which is neutral and non-polar, at codon 768 of the SPG11 protein (p.Ile768Met). This variant is not present in population databases (gnomAD no frequency). This variant has not been reported in the literature in individuals affected with SPG11-related conditions. ClinVar contains an entry for this variant (Variation ID: 534856). Algorithms developed to predict the effect of missense changes on protein structure and function are either unavailable or do not agree on the potential impact of this missense change (SIFT: "Deleterious"; PolyPhen-2: "Possibly Damaging"; Align-GVGD: "Class C0"). In summary, the available evidence is currently insufficient to determine the role of this variant in disease. Therefore, it has been classified as a Variant of Uncertain Significance.

NM_025137.4(SPG11):c.2304A>G (p.Ile768Met)

Gene: SPG11 (SPG11 vesicle trafficking associated, spatacsin; minus strand). Cytogenetic location: 15q21.1.
Variant type: single nucleotide variant.
Coding change: c.2304A>G on transcript NM_025137.4 (MANE Select); coding-DNA position 2304, A replaced by G.
Protein change: p.Ile768Met; replaces isoleucine 768 with methionine.
Molecular consequence: missense variant.
Genome position (GRCh38, 1-based): chr15:44,622,740, T>C on the plus strand (A>G on the coding strand, the complement: SPG11 is on the minus strand). VCF-style: chr15-44622740-T-C. GRCh37 (hg19) VCF-style: chr15-44914938-T-C.
Other names: c.2304A>G, p.Ile768Met (NM_001160227.2); short protein forms I768M.
Identifiers: ClinVar variation 534856 (VCV000534856.7), dbSNP rs1555455851, ClinGen allele CA392232400.